The following is an entry in ClinVar:

NM_015443.4(KANSL1):c.2476C>G (p.Leu826Val)

Gene: KANSL1 (KAT8 regulatory NSL complex subunit 1). Cytogenetic location: 17q21.31.
Variant type: single nucleotide variant.
Coding change: c.2476C>G on transcript NM_015443.4 (MANE Select); coding-DNA position 2476, C replaced by G.
Protein change: p.Leu826Val; replaces leucine 826 with valine.
Molecular consequence: missense variant.
Genome position (GRCh38, 1-based): chr17:46,038,603, G>C on the plus strand (C>G on the coding strand, the complement: KANSL1 is on the minus strand). VCF-style: chr17-46038603-G-C. GRCh37 (hg19) VCF-style: chr17-44115969-G-C.
Other names: c.1021C>G, p.Leu341Val (NM_001405885.1, NM_001405884.1); c.2476C>G, p.Leu826Val (NM_001193465.2, NM_001193466.2, NM_001379198.1 and 8 more transcripts); c.2374C>G, p.Leu792Val (NM_001405859.1, NM_001405860.1, NM_001405861.1 and 1 more transcripts); c.2287C>G, p.Leu763Val (NM_001405875.1, NM_001405876.1, NM_001405877.1 and 3 more transcripts); c.1210C>G, p.Leu404Val (NM_001405882.1, NM_001405883.1); short protein forms L341V, L404V, L763V, L792V, L826V.
Identifiers: ClinVar variation 2500046 (VCV002500046.1), dbSNP rs2510471721, ClinGen allele CA399980318.

ClinVar aggregate classification (germline): Uncertain significance (1 of 4 stars; one submission).

Conditions:
Koolen-de Vries syndrome (KDVS). Identifiers: Orphanet 96169, MedGen C1864871, MONDO:0012496, OMIM 610443.

Submission:

Center for Genomics, Ann and Robert H. Lurie Children's Hospital of Chicago
Classification: Uncertain significance for Koolen-de Vries syndrome. Last evaluated: 2022-09-01. Review status: criteria provided, single submitter. Criteria: ACMG Guidelines, 2015. Collection method: clinical testing. Allele origin: germline.
Comment: This variant has not been reported in the literature and is not present in large control databases. Evolutionary conservation suggests that this variant may impact the protein; computational predictive tools suggest that this variant may not impact the protein. In summary, data on this variant is insufficient for disease classification. Therefore, the clinical significance of this variant is uncertain.